The following is an entry in ClinVar:

NM_001164508.2(NEB):c.22506_22507insAACA (p.Glu7503fs)

Genes: NEB (nebulin; minus strand), RIF1 (replication timing regulatory factor 1; plus strand). Cytogenetic location: 2q23.3.
Variant type: Insertion.
Coding change: c.22506_22507insAACA on transcript NM_001164508.2 (MANE Select); coding-DNA positions 22506 to 22507, AACA inserted.
Protein change: p.Glu7503fs; shifts the reading frame from glutamic acid 7503.
Molecular consequence: frameshift variant.
Genome position: GRCh38 VCF-style: chr2-151519741-C-CTGTT. GRCh37 (hg19) VCF-style: chr2-152376255-C-CTGTT.
Other names: c.22506_22507insAACA, p.Glu7503fs (NM_001164507.2); c.22611_22612insAACA, p.Glu7538fs (NM_001271208.2); c.22611_22612insAACA (NM_001271208.1); c.17403_17404insAACA, p.Glu5802fs (NM_004543.5); short protein forms E5802fs, E7503fs, E7538fs.
Identifiers: ClinVar variation 4814753 (VCV004814753.1).

ClinVar aggregate classification (germline): Likely pathogenic (1 of 4 stars; one submission).

Conditions:
Nemaline myopathy 2 (NEM2). Also called: Nemaline myopathy 2, autosomal recessive. Identifiers: MedGen C1850569, MONDO:0009725, OMIM 256030.

Submission:

Natera, Inc.
Classification: Likely pathogenic for Nemaline myopathy type 2. Last evaluated: 2025-09-02. Review status: criteria provided, single submitter. Criteria: Natera Variant Classification Schema (03/2026). Collection method: clinical testing. Allele origin: germline.
Comment: The c.22611_22612insAACA variant in NEB is a frameshift variant predicted to shift the reading frame beginning at codon 7538 and leads to a stop codon 24 codons downstream. This variant is expected to result in nonsense mediated decay, truncation, or a dysfunctional protein product. This variant is rare in the general population with a frequency below the threshold expected for the associated phenotype(s). Given the available evidence, this variant is classified as Likely Pathogenic.